The following is an entry in ClinVar:

ClinVar aggregate classification (germline): Conflicting classifications of pathogenicity. Review status: criteria provided, conflicting classifications (1 of 4 stars). 5 submissions from 5 submitters: Uncertain significance (4); Benign (1). Last evaluated 2024-09-05.

Conditions:
Hereditary cancer-predisposing syndrome. Also called: Neoplastic Syndromes, Hereditary; Hereditary Cancer Syndrome; Tumor predisposition; Hereditary neoplastic syndrome. Identifiers: Orphanet 140162, MedGen C0027672, MeSH D009386, MONDO:0015356.
Tuberous sclerosis 2 (TSC2). Identifiers: Orphanet 805, MedGen C1860707, MONDO:0013199, OMIM 613254.

Allele frequency attached by ClinVar (database versions not stated): gnomAD exomes 0.00001.
gnomAD v4.1: 11 of 1,612,798 alleles (0.00068%); highest among the groups gnomAD compares: South Asian, 0.012%; 1 homozygote.

Submissions (5):

Myriad Genetics, Inc.
Classification: Benign for Tuberous sclerosis 2. Last evaluated: 2024-09-05. Review status: criteria provided, single submitter. Criteria: Myriad Autosomal Dominant, Autosomal Recessive and X-Linked Classification Criteria (2023). Collection method: clinical testing. Allele origin: unknown.
Comment: This variant is considered benign. Homozygosity has been confirmed in one or more individuals. As homozygosity for pathogenic variants in this gene is generally assumed to result in embryonic lethality, this variant is unlikely to be pathogenic. This variant has been observed at a population frequency that is significantly greater than expected given the associated disease prevalence and penetrance.

Labcorp Genetics (formerly Invitae), Labcorp
Classification: Uncertain significance for Tuberous sclerosis 2. Last evaluated: 2024-04-16. Review status: criteria provided, single submitter. Criteria: Invitae Variant Classification Sherloc (09022015). Collection method: clinical testing. Allele origin: germline.
Comment: This sequence change replaces serine, which is neutral and polar, with arginine, which is basic and polar, at codon 1698 of the TSC2 protein (p.Ser1698Arg). This variant is present in population databases (no rsID available, gnomAD 0.01%). This variant has not been reported in the literature in individuals affected with TSC2-related conditions. ClinVar contains an entry for this variant (Variation ID: 1707603). Advanced modeling of protein sequence and biophysical properties (such as structural, functional, and spatial information, amino acid conservation, physicochemical variation, residue mobility, and thermodynamic stability) performed at Invitae indicates that this missense variant is not expected to disrupt TSC2 protein function with a negative predictive value of 95%. In summary, the available evidence is currently insufficient to determine the role of this variant in disease. Therefore, it has been classified as a Variant of Uncertain Significance.

Ambry Genetics
Classification: Uncertain significance for Hereditary cancer-predisposing syndrome. Last evaluated: 2023-05-22. Review status: criteria provided, single submitter. Criteria: Ambry Variant Classification Scheme 2023. Collection method: clinical testing. Allele origin: germline.
Comment: The p.S1698R variant (also known as c.5092A>C), located in coding exon 39 of the TSC2 gene, results from an A to C substitution at nucleotide position 5092. The serine at codon 1698 is replaced by arginine, an amino acid with dissimilar properties. This amino acid position is well conserved in available vertebrate species. In addition, this alteration is predicted to be deleterious by in silico analysis. Since supporting evidence is limited at this time, the clinical significance of this alteration remains unclear.

GeneDx
Classification: Uncertain significance. Last evaluated: 2023-02-20. Review status: criteria provided, single submitter. Criteria: GeneDx Variant Classification Process June 2021. Collection method: clinical testing. Allele origin: germline. Affected: yes.
Comment: In silico analysis supports that this missense variant does not alter protein structure/function; Has not been previously published as pathogenic or benign to our knowledge; This variant is associated with the following publications: (PMID: 18466115)

Foundation for Research in Genetics and Endocrinology, FRIGE's Institute of Human Genetics
Classification: Uncertain significance for Tuberous sclerosis 2. Last evaluated: 2022-01-18. Review status: criteria provided, single submitter. Criteria: ACMG Guidelines, 2015. Collection method: clinical testing. Allele origin: germline. Inheritance: Autosomal dominant inheritance. Affected: yes. Observed: 1 heterozygote.
Comment: description: A heterozygous missense variation in exon 40 of the TSC2 gene that results in the amino acid substitution of Arginine for Serine at codon 1698 (p.Ser1698Arg) was detected . The p.Ser1698Arg variant has not been reported in the 1000 genomes and gnomAD databases. The in silico predictions# of the variant are possibly damaging by PolyPhen-2 (HumDiv), and damaging by SIFT. The reference codon is conserved across species.

NM_000548.5(TSC2):c.5092A>C (p.Ser1698Arg)

Gene: TSC2 (TSC complex subunit 2; plus strand). Cytogenetic location: 16p13.3.
Variant type: single nucleotide variant.
Coding change: c.5092A>C on transcript NM_000548.5 (MANE Select); coding-DNA position 5092, A replaced by C.
Protein change: p.Ser1698Arg; replaces serine 1698 with arginine.
Molecular consequence: missense variant.
Genome position (GRCh38, 1-based): chr16:2,088,071, A>C. VCF-style: chr16-2088071-A-C. GRCh37 (hg19) VCF-style: chr16-2138072-A-C.
Other names: p.Ser1698Arg; c.4891A>C, p.Ser1631Arg (NM_001077183.3); c.5023A>C, p.Ser1675Arg (NM_001114382.3); c.4783A>C, p.Ser1595Arg (NM_001318827.2); c.4747A>C, p.Ser1583Arg (NM_001318829.2); c.4360A>C, p.Ser1454Arg (NM_001318831.2); c.4924A>C, p.Ser1642Arg (NM_001318832.2); c.4894A>C, p.Ser1632Arg (NM_001363528.2); and 27 more; short protein forms S1097R, S1183R, S1184R, S1206R, S1207R, S1227R, S1431R, S1432R.
Identifiers: ClinVar variation 1707603 (VCV001707603.12), dbSNP rs1397179937, ClinGen allele CA394312112.